The following is an entry in ClinVar:

ClinVar aggregate classification (germline): Benign/Likely benign. Review status: criteria provided, multiple submitters, no conflicts (2 of 4 stars). 6 submissions from 6 submitters: Benign (1); Likely benign (5). Last evaluated 2026-07-16.

Conditions:
SMARCA4-related disorder. Also called: SMARCA4-related condition.
Rhabdoid tumor predisposition syndrome 2 (RTPS2). Identifiers: Orphanet 231108, Orphanet 69077, MedGen C2750074, MONDO:0013224, OMIM 613325.

Allele frequency attached by ClinVar (database versions not stated): ExAC 0.00001; gnomAD 0.00001; TOPMed 0.00001.
gnomAD v4.1: 58 of 1,608,482 alleles (0.0036%); highest among the groups gnomAD compares: Non-Finnish European, 0.0048%; no homozygotes.

Submissions (6):

Myriad Genetics, Inc.
Classification: Benign for Rhabdoid tumor predisposition syndrome 2. Last evaluated: 2026-07-16. Review status: criteria provided, single submitter. Criteria: Myriad Autosomal Dominant, Autosomal Recessive and X-Linked Classification Criteria (2023). Collection method: clinical testing. Allele origin: unknown.
Comment: This variant is considered benign. This variant is intronic and is not expected to impact mRNA splicing. This variant has been observed at a population frequency that is significantly greater than expected given the associated disease prevalence and penetrance.

PreventionGenetics, part of Exact Sciences
Classification: Likely benign for SMARCA4-related condition. Last evaluated: 2026-02-18. Review status: criteria provided, single submitter. Criteria: ACMG Guidelines, 2015. Collection method: clinical testing. Allele origin: germline.
Comment: This variant is classified as likely benign based on ACMG/AMP sequence variant interpretation guidelines (Richards et al. 2015 PMID: 25741868, with internal and published modifications).

Labcorp Genetics (formerly Invitae), Labcorp
Classification: Likely benign for Rhabdoid tumor predisposition syndrome 2. Last evaluated: 2026-01-27. Review status: criteria provided, single submitter. Criteria: Invitae Variant Classification Sherloc (09022015). Collection method: clinical testing. Allele origin: germline.

Quest Diagnostics Nichols Institute San Juan Capistrano
Classification: Likely benign. Last evaluated: 2025-07-29. Review status: criteria provided, single submitter. Criteria: Quest Diagnostics criteria. Collection method: clinical testing. Allele origin: unknown.

Blueprint Genetics
Classification: Likely benign. Last evaluated: 2024-09-11. Review status: criteria provided, single submitter. Criteria: ACMG Guidelines, 2015. Collection method: clinical testing. Allele origin: germline.

CeGaT Center for Human Genetics Tuebingen
Classification: Likely benign. Last evaluated: 2024-05-01. Review status: criteria provided, single submitter. Criteria: CeGaT Center For Human Genetics Tuebingen Variant Classification Criteria Version 2. Collection method: clinical testing. Allele origin: germline. Affected: yes. Observed: 1 variant allele.
Comment: SMARCA4: BP4

NM_003072.5(SMARCA4):c.4170+8C>G

Gene: SMARCA4 (SWI/SNF related BAF chromatin remodeling complex subunit ATPase 4; plus strand). Cytogenetic location: 19p13.2.
Variant type: single nucleotide variant.
Coding change: c.4170+8C>G on transcript NM_003072.5 (MANE Select); 8 bases into the intron after coding-DNA position 4170, C replaced by G.
Molecular consequence: intron variant.
Genome position (GRCh38, 1-based): chr19:11,035,140, C>G. VCF-style: chr19-11035140-C-G. GRCh37 (hg19) VCF-style: chr19-11145816-C-G.
Other names: c.4170+8C>G (NM_001128844.3, NM_001128849.3, NM_001387283.1); c.4071+8C>G (NM_001128847.4, NM_001374457.1, NM_001128845.2 and 2 more transcripts).
Identifiers: ClinVar variation 238451 (VCV000238451.33), dbSNP rs778760920, ClinGen allele CA9204598.